The following is an entry in ClinVar:

NM_030777.4(SLC2A10):c.1412-114A>G

Gene: SLC2A10 (solute carrier family 2 member 10; plus strand). Cytogenetic location: 20q13.12.
Variant type: single nucleotide variant.
Coding change: c.1412-114A>G on transcript NM_030777.4 (MANE Select); 114 bases into the intron before coding-DNA position 1412, A replaced by G.
Molecular consequence: intron variant.
Genome position (GRCh38, 1-based): chr20:46,729,239, A>G. VCF-style: chr20-46729239-A-G. GRCh37 (hg19) VCF-style: chr20-45357878-A-G.
Identifiers: ClinVar variation 673796 (VCV000673796.2), dbSNP rs1122067, ClinGen allele CA14776339.

ClinVar aggregate classification (germline): Benign. Review status: criteria provided, multiple submitters, no conflicts (2 of 4 stars). 2 submissions from 2 submitters: Benign (2). Last evaluated 2018-06-18.

Allele frequency attached by ClinVar (database versions not stated): TOPMed 0.37022; gnomAD 0.37139 and 0.37459; 1000 Genomes Project 30x 0.37258; 1000 Genomes Project 0.37879; gnomAD exomes 0.42140.
gnomAD v4.1: 556,604 of 1,338,098 alleles (42%); highest among the groups gnomAD compares: East Asian, 60%; 118,963 homozygotes.

Submissions (2):

GeneDx
Classification: Benign. Last evaluated: 2018-06-18. Review status: criteria provided, single submitter. Criteria: GeneDx Variant Classification (06012015). Collection method: clinical testing. Allele origin: germline. Affected: yes.
Comment: This variant is considered likely benign or benign based on one or more of the following criteria: it is a conservative change, it occurs at a poorly conserved position in the protein, it is predicted to be benign by multiple in silico algorithms, and/or has population frequency not consistent with disease.

Breakthrough Genomics
Classification: Benign. Review status: criteria provided, single submitter. Criteria: ACMG Guidelines, 2015. Collection method: not provided. Allele origin: germline. Inheritance: Autosomal recessive inheritance. Affected: yes.